The following is an entry in ClinVar:

NM_000256.3(MYBPC3):c.2674C>A (p.Pro892Thr)

Gene: MYBPC3 (myosin binding protein C3; minus strand). Cytogenetic location: 11p11.2.
Variant type: single nucleotide variant.
Coding change: c.2674C>A on transcript NM_000256.3 (MANE Select); coding-DNA position 2674, C replaced by A.
Protein change: p.Pro892Thr; replaces proline 892 with threonine.
Molecular consequence: missense variant.
Genome position (GRCh38, 1-based): chr11:47,335,940, G>T on the plus strand (C>A on the coding strand, the complement: MYBPC3 is on the minus strand). VCF-style: chr11-47335940-G-T. GRCh37 (hg19) VCF-style: chr11-47357491-G-T.
Other names: short protein forms P892T.
Identifiers: ClinVar variation 1035073 (VCV001035073.10), dbSNP rs2095881845, ClinGen allele CA380317328.

ClinVar aggregate classification (germline): Uncertain significance (1 of 4 stars; one submission).

Conditions:
Hypertrophic cardiomyopathy. Also called: HYPERTROPHIC MYOCARDIOPATHY. Identifiers: Orphanet 217569, MedGen C0007194, MeSH D002312, MONDO:0005045, HP:0001639.

Submission:

Labcorp Genetics (formerly Invitae), Labcorp
Classification: Uncertain significance for Hypertrophic cardiomyopathy. Last evaluated: 2022-08-31. Review status: criteria provided, single submitter. Criteria: Invitae Variant Classification Sherloc (09022015). Collection method: clinical testing. Allele origin: germline.
Comment: In summary, the available evidence is currently insufficient to determine the role of this variant in disease. Therefore, it has been classified as a Variant of Uncertain Significance. Algorithms developed to predict the effect of missense changes on protein structure and function (SIFT, PolyPhen-2, Align-GVGD) all suggest that this variant is likely to be tolerated. ClinVar contains an entry for this variant (Variation ID: 1035073). This variant has not been reported in the literature in individuals affected with MYBPC3-related conditions. This variant is not present in population databases (gnomAD no frequency). This sequence change replaces proline, which is neutral and non-polar, with threonine, which is neutral and polar, at codon 892 of the MYBPC3 protein (p.Pro892Thr).